The following is an entry in ClinVar:

ClinVar aggregate classification (germline): Pathogenic/Likely pathogenic. Review status: criteria provided, multiple submitters, no conflicts (2 of 4 stars). 2 submissions from 2 submitters: Pathogenic (1); Likely pathogenic (1). Last evaluated 2025-10-20.

Conditions:
Alport syndrome. Also called: Hemorrhagic familial nephritis; Hemorrhagic hereditary nephritis; Congenital hereditary hematuria. Identifiers: Orphanet 63, MedGen C1567741, MONDO:0018965.
Hematuria. Identifiers: MedGen C0018965, HP:0000790.

gnomAD v4.1: 3 of 1,613,428 alleles (0.00019%); highest among the groups gnomAD compares: Non-Finnish European, 0.00025%; no homozygotes.

Submissions (2):

Genetics Laboratory, Great Ormond Street Hospital NHS Foundation Trust, North Thames Genomic Laboratory Hub
Classification: Likely pathogenic for Haematuria. Last evaluated: 2025-10-20. Review status: criteria provided, single submitter. Criteria: ACGS Best Practice Guidelines for Variant Classification in Rare Disease 2024 v1.2. Collection method: clinical testing. Allele origin: germline. Affected: yes.
Comment: PM2_moderate, PP3_supporting, PM5_moderate, PM1_strong

Victorian Clinical Genetics Services, Murdoch Childrens Research Institute
Classification: Pathogenic for Alport syndrome. Last evaluated: 2025-07-28. Review status: criteria provided, single submitter. Criteria: ACMG Guidelines, 2015. Collection method: clinical testing. Allele origin: germline. Affected: yes.
Comment: This variant is classified as Pathogenic. Evidence in support of pathogenic classification: Variant is present in gnomAD <0.01 (v4: 3 heterozygote(s), 0 homozygote(s)); Other missense variant(s) comparable to the one identified in this case have strong previous evidence for pathogenicity. p.(Gly230Ser) has been classified as likely pathogenic by clinical laboratories in ClinVar, and reported in the literature in a heterozygous individual with gout (PMID: 36100708). In addition, p.(Gly230Asp) has been reported in the literature in a heterozygous individual with glomerulopathy (PMID: 34746741), and in an individual with thin basement membrane, in whom an intronic variant in COL4A3 was also reported (PMID: 24633401). Variant is located in the well-established functional Gly-X-Y motif in the collagen triple helical domain (DECIPHER); Missense variant predicted to be damaging by in silico tool(s) or highly conserved with a major amino acid change. Additional information: Variant is predicted to result in a missense amino acid change from Gly to Val; This variant is heterozygous; This gene is associated with both recessive and dominant Alport syndrome (MONDO:0018965), COL4A3-related; Alternative amino acid change(s) at the same position are present in gnomAD (Highest allele count: v4: 1 heterozygote(s), 0 homozygote(s)); Previous evidence of pathogenicity for this variant is inconclusive. This variant is present in the Deafness Variation Database, and is classified as a VUS; No published evidence of segregation with disease has been identified for this variant; No published functional evidence has been identified for this variant; Dominant negative and loss of function are known mechanisms of disease in this gene and are associated with Alport syndrome (MONDO:0018965), COL4A3-related. Glycine changes that are part of a G-X-Y repeat in the triple helix of a collagen domain are known to have a dominant negative effect (PMID: 12028435); Inheritance information for this variant is not currently available in this individual.

Literature cited by the submitters: PubMed 36100708 (cited by Victorian Clinical Genetics Services, Murdoch Childrens Research Institute); PubMed 24633401 (cited by Victorian Clinical Genetics Services, Murdoch Childrens Research Institute); PubMed 34746741 (cited by Victorian Clinical Genetics Services, Murdoch Childrens Research Institute); PubMed 12028435 (cited by Victorian Clinical Genetics Services, Murdoch Childrens Research Institute).

NM_000091.5(COL4A3):c.689G>T (p.Gly230Val)

Genes: COL4A3 (collagen type IV alpha 3 chain; plus strand), MFF-DT (MFF divergent transcript; minus strand). Cytogenetic location: 2q36.3.
Variant type: single nucleotide variant.
Coding change: c.689G>T on transcript NM_000091.5 (MANE Select); coding-DNA position 689, G replaced by T.
Protein change: p.Gly230Val; replaces glycine 230 with valine.
Molecular consequence: missense variant.
Genome position (GRCh38, 1-based): chr2:227,253,562, G>T. VCF-style: chr2-227253562-G-T. GRCh37 (hg19) VCF-style: chr2-228118278-G-T.
Other names: short protein forms G230V.
Identifiers: ClinVar variation 4531833 (VCV004531833.2).